The following is an entry in ClinVar:

ClinVar aggregate classification (germline): Uncertain significance (1 of 4 stars; one submission).

Conditions:
Inborn genetic diseases. Identifiers: MedGen C0950123, MeSH D030342.

gnomAD v4.1: 1 of 1,614,076 alleles (0.000062%); highest among the groups gnomAD compares: African/African-American, 0.0013%; no homozygotes.

Submission:

Ambry Genetics
Classification: Uncertain significance for Inborn genetic diseases. Last evaluated: 2025-06-25. Review status: criteria provided, single submitter. Criteria: Ambry Variant Classification Scheme 2023. Collection method: clinical testing. Allele origin: germline.
Comment: The p.R257L variant (also known as c.770G>T), located in coding exon 6 of the FANCG gene, results from a G to T substitution at nucleotide position 770. The arginine at codon 257 is replaced by leucine, an amino acid with dissimilar properties. This amino acid position is conserved. In addition, this alteration is predicted to be tolerated by in silico analysis. Based on the available evidence, the clinical significance of this variant remains unclear.

NM_004629.2(FANCG):c.770G>T (p.Arg257Leu)

Gene: FANCG (FA complementation group G; minus strand). Cytogenetic location: 9p13.3.
Variant type: single nucleotide variant.
Coding change: c.770G>T on transcript NM_004629.2 (MANE Select); coding-DNA position 770, G replaced by T.
Protein change: p.Arg257Leu; replaces arginine 257 with leucine.
Molecular consequence: missense variant.
Genome position (GRCh38, 1-based): chr9:35,076,978, C>A on the plus strand (G>T on the coding strand, the complement: FANCG is on the minus strand). VCF-style: chr9-35076978-C-A. GRCh37 (hg19) VCF-style: chr9-35076975-C-A.
Other names: short protein forms R257L.
Identifiers: ClinVar variation 4254430 (VCV004254430.1).